The following is an entry in ClinVar:

ClinVar aggregate classification (germline): Uncertain significance. Review status: criteria provided, multiple submitters, no conflicts (2 of 4 stars). 2 submissions from 2 submitters: Uncertain significance (2). Last evaluated 2026-01-05.

Allele frequency attached by ClinVar (database versions not stated): gnomAD exomes below 0.00001 and 0.00001; ExAC 0.00001; TOPMed 0.00001.
gnomAD v4.1: 11 of 1,613,898 alleles (0.00068%); highest among the groups gnomAD compares: Non-Finnish European, 0.00093%; no homozygotes.

Submissions (2):

Labcorp Genetics (formerly Invitae), Labcorp
Classification: Uncertain significance. Last evaluated: 2026-01-05. Review status: criteria provided, single submitter. Criteria: Invitae Variant Classification Sherloc (09022015). Collection method: clinical testing. Allele origin: germline.
Comment: This sequence change replaces serine, which is neutral and polar, with alanine, which is neutral and non-polar, at codon 318 of the ADGRA3 protein (p.Ser318Ala). This variant is present in population databases (rs750665555, gnomAD 0.0009%). This variant has not been reported in the literature in individuals affected with ADGRA3-related conditions. ClinVar contains an entry for this variant (Variation ID: 1512503). An algorithm developed to predict the effect of missense changes on protein structure and function (PolyPhen-2) suggests that this variant is likely to be disruptive. In summary, the available evidence is currently insufficient to determine the role of this variant in disease. Therefore, it has been classified as a Variant of Uncertain Significance.

Ambry Genetics
Classification: Uncertain significance. Last evaluated: 2024-02-06. Review status: criteria provided, single submitter. Criteria: Ambry Variant Classification Scheme 2023. Collection method: clinical testing. Allele origin: germline.

NM_145290.4(ADGRA3):c.952T>G (p.Ser318Ala)

Gene: ADGRA3 (adhesion G protein-coupled receptor A3; minus strand). Cytogenetic location: 4p15.2.
Variant type: single nucleotide variant.
Coding change: c.952T>G on transcript NM_145290.4 (MANE Select); coding-DNA position 952, T replaced by G.
Protein change: p.Ser318Ala; replaces serine 318 with alanine.
Molecular consequence: missense variant.
Genome position (GRCh38, 1-based): chr4:22,438,389, A>C on the plus strand (T>G on the coding strand, the complement: ADGRA3 is on the minus strand). VCF-style: chr4-22438389-A-C. GRCh37 (hg19) VCF-style: chr4-22440012-A-C.
Other names: c.952T>G (NM_145290.2); short protein forms S318A.
Identifiers: ClinVar variation 1512503 (VCV001512503.7), dbSNP rs750665555, ClinGen allele CA2874088.